The following is an entry in ClinVar:

NM_005557.4(KRT16):c.632C>T (p.Ala211Val)

Gene: KRT16 (keratin 16; minus strand). Cytogenetic location: 17q21.2.
Variant type: single nucleotide variant.
Coding change: c.632C>T on transcript NM_005557.4 (MANE Select); coding-DNA position 632, C replaced by T.
Protein change: p.Ala211Val; replaces alanine 211 with valine.
Molecular consequence: missense variant.
Genome position (GRCh38, 1-based): chr17:41,611,484, G>A on the plus strand (C>T on the coding strand, the complement: KRT16 is on the minus strand). VCF-style: chr17-41611484-G-A. GRCh37 (hg19) VCF-style: chr17-39767736-G-A.
Other names: short protein forms A211V.
Identifiers: ClinVar variation 2154754 (VCV002154754.3), dbSNP rs143374360, ClinGen allele CA8563174.

ClinVar aggregate classification (germline): Uncertain significance (1 of 4 stars; one submission).

Allele frequency attached by ClinVar (database versions not stated): ExAC 0.00004; TOPMed 0.00012; ESP Exome Variant Server 0.00015; gnomAD 0.00015; gnomAD exomes 0.00027.

Submission:

Labcorp Genetics (formerly Invitae), Labcorp
Classification: Uncertain significance. Last evaluated: 2025-08-23. Review status: criteria provided, single submitter. Criteria: Invitae Variant Classification Sherloc (09022015). Collection method: clinical testing. Allele origin: germline.
Comment: This sequence change replaces alanine, which is neutral and non-polar, with valine, which is neutral and non-polar, at codon 211 of the KRT16 protein (p.Ala211Val). This variant is present in population databases (rs143374360, gnomAD 0.01%). This variant has not been reported in the literature in individuals affected with KRT16-related conditions. ClinVar contains an entry for this variant (Variation ID: 2154754). Invitae Evidence Modeling of protein sequence and biophysical properties (such as structural, functional, and spatial information, amino acid conservation, physicochemical variation, residue mobility, and thermodynamic stability) indicates that this missense variant is not expected to disrupt KRT16 protein function with a negative predictive value of 95%. In summary, the available evidence is currently insufficient to determine the role of this variant in disease. Therefore, it has been classified as a Variant of Uncertain Significance.